The following is an entry in ClinVar:

ClinVar aggregate classification (germline): Uncertain significance. Review status: criteria provided, multiple submitters, no conflicts (2 of 4 stars). 5 submissions from 5 submitters: Uncertain significance (5). Last evaluated 2026-04-01.

Conditions:
Charcot-Marie-Tooth disease type 2E (CMT2E). Also called: CHARCOT-MARIE-TOOTH NEUROPATHY, TYPE 2E; CHARCOT-MARIE-TOOTH DISEASE, AXONAL, TYPE 2E. Identifiers: Orphanet 99939, MedGen C1843225, MONDO:0011894, OMIM 607684.
Inborn genetic diseases. Identifiers: MedGen C0950123, MeSH D030342.

Allele frequency attached by ClinVar (database versions not stated): gnomAD 0.00001; ExAC 0.00002; gnomAD exomes 0.00002; TOPMed 0.00002.
gnomAD v4.1: 25 of 1,611,964 alleles (0.0016%); highest among the groups gnomAD compares: Non-Finnish European, 0.002%; no homozygotes.

Submissions (5):

CeGaT Center for Human Genetics Tuebingen
Classification: Uncertain significance. Last evaluated: 2026-04-01. Review status: criteria provided, single submitter. Criteria: CeGaT Center For Human Genetics Tuebingen Variant Classification Criteria Version 2. Collection method: clinical testing. Allele origin: germline. Affected: yes. Observed: 1 variant allele.
Comment: NEFL: PM2, BP4

Ambry Genetics
Classification: Uncertain significance for Inborn genetic diseases. Last evaluated: 2026-03-23. Review status: criteria provided, single submitter. Criteria: Ambry Variant Classification Scheme 2023. Collection method: clinical testing. Allele origin: germline.

Labcorp Genetics (formerly Invitae), Labcorp
Classification: Uncertain significance for Charcot-Marie-Tooth disease type 2E. Last evaluated: 2023-07-03. Review status: criteria provided, single submitter. Criteria: Invitae Variant Classification Sherloc (09022015). Collection method: clinical testing. Allele origin: germline.
Comment: This variant is present in population databases (rs769793484, gnomAD 0.004%). This sequence change replaces glycine, which is neutral and non-polar, with aspartic acid, which is acidic and polar, at codon 532 of the NEFL protein (p.Gly532Asp). This variant has not been reported in the literature in individuals affected with NEFL-related conditions. ClinVar contains an entry for this variant (Variation ID: 1430698). Advanced modeling of protein sequence and biophysical properties (such as structural, functional, and spatial information, amino acid conservation, physicochemical variation, residue mobility, and thermodynamic stability) has been performed at Invitae for this missense variant, however the output from this modeling did not meet the statistical confidence thresholds required to predict the impact of this variant on NEFL protein function. In summary, the available evidence is currently insufficient to determine the role of this variant in disease. Therefore, it has been classified as a Variant of Uncertain Significance.

Blueprint Genetics
Classification: Uncertain significance. Last evaluated: 2023-03-23. Review status: criteria provided, single submitter. Criteria: ACMG Guidelines, 2015. Collection method: clinical testing. Allele origin: germline.

Kariminejad - Najmabadi Pathology & Genetics Center
Classification: Uncertain significance. Last evaluated: 2019-02-02. Review status: criteria provided, single submitter. Criteria: ACMG Guidelines, 2015. Collection method: clinical testing. Allele origin: germline. Inheritance: Autosomal recessive inheritance. Affected: yes.
Comment: PM2,PP3

NM_006158.5(NEFL):c.1595G>A (p.Gly532Asp)

Gene: NEFL (neurofilament light chain; minus strand). Cytogenetic location: 8p21.2.
Variant type: single nucleotide variant.
Coding change: c.1595G>A on transcript NM_006158.5 (MANE Select); coding-DNA position 1595, G replaced by A.
Protein change: p.Gly532Asp; replaces glycine 532 with aspartic acid.
Molecular consequence: missense variant.
Genome position (GRCh38, 1-based): chr8:24,952,847, C>T on the plus strand (G>A on the coding strand, the complement: NEFL is on the minus strand). VCF-style: chr8-24952847-C-T. GRCh37 (hg19) VCF-style: chr8-24810360-C-T.
Other names: c.1595G>A (NM_006158.3); short protein forms G532D.
Identifiers: ClinVar variation 1430698 (VCV001430698.12), dbSNP rs769793484, ClinGen allele CA4681222.
Genomic context (GRCh38, chr8:24,952,847, plus strand): 5'-GAAATAATTAAGGAAATGGGGGTTCAATCTTTCTTCTTAGCTGCTTGTTCCTCCCCAGCA[C>T]CTTCAACTTTCTTCTCCTCCTCTTCAGCTTCTTTGGTTTCCTCTCCTTCTTCACCTTCAC-3'
Protein context (NP_006149.2, residues 522-542): EAEEEEKKVE[Gly532Asp]AGEEQAAKKK